The following is an entry in ClinVar:

NM_000642.3(AGL):c.82+6T>C

Gene: AGL (amylo-alpha-1,6-glucosidase and 4-alpha-glucanotransferase; plus strand). Cytogenetic location: 1p21.2.
Variant type: single nucleotide variant.
Coding change: c.82+6T>C on transcript NM_000642.3 (MANE Select); 6 bases into the intron after coding-DNA position 82, T replaced by C.
Molecular consequence: intron variant.
Genome position (GRCh38, 1-based): chr1:99,851,130, T>C. VCF-style: chr1-99851130-T-C. GRCh37 (hg19) VCF-style: chr1-100316686-T-C.
Other names: c.82+6T>C (NM_000643.3, NM_000644.3, NM_001425326.1 and 6 more transcripts); c.-110+6T>C (NM_000646.3).
Identifiers: ClinVar variation 1509248 (VCV001509248.3), dbSNP rs1648918421, ClinGen allele CA1183917131.

ClinVar aggregate classification (germline): Uncertain significance (1 of 4 stars; one submission).

Conditions:
Glycogen storage disease type III (GSD3). Also called: FORBES DISEASE; Cori disease. Identifiers: Orphanet 366, MedGen C0017922, MONDO:0009291, OMIM 232400.

Allele frequency attached by ClinVar (database versions not stated): gnomAD exomes below 0.00001.
gnomAD v4.1: 1 of 1,612,308 alleles (0.000062%); highest among the groups gnomAD compares: Non-Finnish European, 0.000085%; no homozygotes.

Submission:

Labcorp Genetics (formerly Invitae), Labcorp
Classification: Uncertain significance for Glycogen storage disease type III. Last evaluated: 2022-08-10. Review status: criteria provided, single submitter. Criteria: Invitae Variant Classification Sherloc (09022015). Collection method: clinical testing. Allele origin: germline.
Comment: This sequence change falls in intron 2 of the AGL gene. It does not directly change the encoded amino acid sequence of the AGL protein. It affects a nucleotide within the consensus splice site. This variant is not present in population databases (gnomAD no frequency). This variant has not been reported in the literature in individuals affected with AGL-related conditions. ClinVar contains an entry for this variant (Variation ID: 1509248). Variants that disrupt the consensus splice site are a relatively common cause of aberrant splicing (PMID: 17576681, 9536098). Algorithms developed to predict the effect of sequence changes on RNA splicing suggest that this variant is not likely to affect RNA splicing. In summary, the available evidence is currently insufficient to determine the role of this variant in disease. Therefore, it has been classified as a Variant of Uncertain Significance.

Literature cited by the submitters: PubMed 17576681; PubMed 9536098.